The following is an entry in ClinVar:

NM_001384140.1(PCDH15):c.3502-10del

Gene: PCDH15 (protocadherin related 15; minus strand). Cytogenetic location: 10q21.1.
Variant type: Deletion.
Coding change: c.3502-10del on transcript NM_001384140.1 (MANE Select); 10 bases into the intron before coding-DNA position 3502, one base deleted (C; older notation c.3502-10delC).
Molecular consequence: intron variant.
Genome position (GRCh38, 1-based): chr10:53,866,867, G deleted on the plus strand (C on the coding strand, the reverse complement: PCDH15 is on the minus strand); the first of 4 consecutive G bases (chr10:53,866,867-53,866,870); deleting any one gives the same sequence. VCF-style (leftmost placement, unchanged base first): chr10-53866866-AG-A. GRCh37 (hg19) VCF-style: chr10-55626626-AG-A.
Other names: c.3502-10del (NM_001354420.2, NM_001354429.2, NM_001142772.2 and 4 more transcripts); c.3517-10del (NM_001142771.2, NM_001142763.2); c.3523-10del (NM_001354411.2); c.3538-10del (NM_001142769.3); c.3436-10del (NM_001354404.2, NM_001142773.2, NM_001142768.2); c.3391-10del (NM_001142767.2); c.3289-10del (NM_001142765.2).
Identifiers: ClinVar variation 300180 (VCV000300180.16), dbSNP rs750835578, ClinGen allele CA5505624.
Genomic context (GRCh38, chr10:53,866,866, plus strand): 5'-TTATGAGTCTGTAGGCCATGACACTATAATTGCCAGTATCTTTATCAGTAGCCTAGACGG[AG>A]GGGAAAAAAAAAGAGATTATAATTAAGCAGGAAAAGATAACCCTTATGAAATGGCTTACT-3'

ClinVar aggregate classification (germline): Likely benign. Review status: criteria provided, multiple submitters, no conflicts (2 of 4 stars). 2 submissions from 2 submitters: Likely benign (2). Last evaluated 2024-05-01.

Submissions (2):

Labcorp Genetics (formerly Invitae), Labcorp
Classification: Likely benign. Last evaluated: 2024-05-01. Review status: criteria provided, single submitter. Criteria: Invitae Variant Classification Sherloc (09022015). Collection method: clinical testing. Allele origin: germline.

GeneDx
Classification: Likely benign. Last evaluated: 2023-07-11. Review status: criteria provided, single submitter. Criteria: GeneDx Variant Classification Process June 2021. Collection method: clinical testing. Allele origin: germline. Affected: yes.
Comment: See Variant Classification Assertion Criteria.